The following is an entry in ClinVar:

ClinVar aggregate classification (germline): Uncertain significance (1 of 4 stars; one submission).

Submission:

Labcorp Genetics (formerly Invitae), Labcorp
Classification: Uncertain significance. Last evaluated: 2021-08-02. Review status: criteria provided, single submitter. Criteria: Invitae Variant Classification Sherloc (09022015). Collection method: clinical testing. Allele origin: germline.
Comment: This sequence change replaces proline with serine at codon 714 of the MME protein (p.Pro714Ser). The proline residue is highly conserved and there is a moderate physicochemical difference between proline and serine. This variant is not present in population databases (ExAC no frequency). This variant has not been reported in the literature in individuals affected with MME-related conditions. Algorithms developed to predict the effect of missense changes on protein structure and function are either unavailable or do not agree on the potential impact of this missense change (SIFT: "Tolerated"; PolyPhen-2: "Probably Damaging"; Align-GVGD: "Class C0"). In summary, the available evidence is currently insufficient to determine the role of this variant in disease. Therefore, it has been classified as a Variant of Uncertain Significance.

NM_007289.4(MME):c.2140C>T (p.Pro714Ser)

Gene: MME (membrane metalloendopeptidase; plus strand). Cytogenetic location: 3q25.2.
Variant type: single nucleotide variant.
Coding change: c.2140C>T on transcript NM_007289.4 (MANE Select); coding-DNA position 2140, C replaced by T.
Protein change: p.Pro714Ser; replaces proline 714 with serine.
Molecular consequence: missense variant.
Genome position (GRCh38, 1-based): chr3:155,172,599, C>T. VCF-style: chr3-155172599-C-T. GRCh37 (hg19) VCF-style: chr3-154890388-C-T.
Other names: c.2140C>T, p.Pro714Ser (NM_000902.5, NM_001354642.2, NM_001354643.1 and 2 more transcripts); short protein forms P714S.
Identifiers: ClinVar variation 1371813 (VCV001371813.1), dbSNP rs1712103823, ClinGen allele CA355219201.
Genomic context (GRCh38, chr3:155,172,599, plus strand): 5'-TGGTGTGGAACCTATAGGCCAGAGTATGCGGTTAACTCCATTAAAACAGATGTGCACAGT[C>T]CAGGCAATTTCAGGTGCGTGGATATGAACAGCAATCAAGGTGCTCTTATATTGGGTCCAT-3'
Protein context (NP_009220.2, residues 704-724): VNSIKTDVHS[Pro714Ser]GNFRIIGTLQ